The following is an entry in ClinVar:

ClinVar aggregate classification (germline): Uncertain significance (1 of 4 stars; one submission).

Conditions:
Epidermodysplasia verruciformis. Identifiers: Orphanet 302, MedGen C0014522, MONDO:0009176.

Submission:

Labcorp Genetics (formerly Invitae), Labcorp
Classification: Uncertain significance for Epidermodysplasia verruciformis. Last evaluated: 2021-04-05. Review status: criteria provided, single submitter. Criteria: Invitae Variant Classification Sherloc (09022015). Collection method: clinical testing. Allele origin: germline.
Comment: In summary, the available evidence is currently insufficient to determine the role of this variant in disease. Therefore, it has been classified as a Variant of Uncertain Significance. Algorithms developed to predict the effect of missense changes on protein structure and function are either unavailable or do not agree on the potential impact of this missense change (SIFT: "Not Available"; PolyPhen-2: "Possibly Damaging"; Align-GVGD: "Not Available"). This variant has not been reported in the literature in individuals with TMC6-related conditions. This variant is not present in population databases (ExAC no frequency). This sequence change replaces glutamic acid with aspartic acid at codon 410 of the TMC6 protein (p.Glu410Asp). The glutamic acid residue is highly conserved and there is a small physicochemical difference between glutamic acid and aspartic acid.

NM_001127198.5(TMC6):c.1230G>T (p.Glu410Asp)

Gene: TMC6 (transmembrane channel like 6; minus strand). Cytogenetic location: 17q25.3.
Variant type: single nucleotide variant.
Coding change: c.1230G>T on transcript NM_001127198.5 (MANE Select); coding-DNA position 1230, G replaced by T.
Protein change: p.Glu410Asp; replaces glutamic acid 410 with aspartic acid.
Molecular consequence: missense variant. On other transcripts: non-coding transcript variant (4).
Genome position (GRCh38, 1-based): chr17:78,121,709, C>A on the plus strand (G>T on the coding strand, the complement: TMC6 is on the minus strand). VCF-style: chr17-78121709-C-A. GRCh37 (hg19) VCF-style: chr17-76117790-C-A.
Other names: c.1230G>T, p.Glu410Asp (NM_001321185.1, NM_001374593.1, NM_001374594.1 and 4 more transcripts); short protein forms E410D.
Identifiers: ClinVar variation 1523168 (VCV001523168.6), dbSNP rs2145227111, ClinGen allele CA401230273.